The following is an entry in ClinVar:

ClinVar aggregate classification (germline): Pathogenic (1 of 4 stars; one submission).

Conditions:
Fanconi anemia complementation group A (FANCA). Also called: Fanconi anemia, group A; FANCA-Related Fanconi Anemia. Identifiers: Orphanet 84, MedGen C3469521, MONDO:0009215, OMIM 227650.

Submission:

Myriad Genetics, Inc.
Classification: Pathogenic for Fanconi anemia complementation group A. Last evaluated: 2025-02-20. Review status: criteria provided, single submitter. Criteria: Myriad Autosomal Dominant, Autosomal Recessive and X-Linked Classification Criteria (2023). Collection method: clinical testing. Allele origin: unknown.
Comment: NM_000135.2(FANCA):c.796del1ins5(T266Afs*4) is expected to be pathogenic in the context of Fanconi anemia complementation group A. This variant is predicted to lead to an abnormal or absent protein product due to the creation of a premature termination codon in FANCA, a gene where loss-of-function variants are known to be pathogenic. Please note: this variant was assessed in the context of healthy population screening.

NM_000135.4(FANCA):c.796delinsGCGCG (p.Thr266fs)

Gene: FANCA (FA complementation group A; minus strand). Cytogenetic location: 16q24.3.
Variant type: Indel.
Coding change: c.796delinsGCGCG on transcript NM_000135.4 (MANE Select); coding-DNA position 796, A replaced by GCGCG.
Protein change: p.Thr266fs; shifts the reading frame from threonine 266.
Molecular consequence: frameshift variant.
Genome position (GRCh38, 1-based): chr16:89,799,635, T replaced by CGCGC on the plus strand (A replaced by GCGCG on the coding strand, the reverse complement: FANCA is on the minus strand). VCF-style: chr16-89799635-T-CGCGC. GRCh37 (hg19) VCF-style: chr16-89866043-T-CGCGC.
Other names: c.796delinsGCGCG, p.Thr266fs (NM_001018112.3, NM_001286167.3); c.700delinsGCGCG, p.Thr234fs (NM_001351830.2); short protein forms T234fs, T266fs.
Identifiers: ClinVar variation 5014117 (VCV005014117.1).